The following is an entry in ClinVar:

NM_020297.4(ABCC9):c.2191T>G (p.Trp731Gly)

Gene: ABCC9 (ATP binding cassette subfamily C member 9; minus strand). Cytogenetic location: 12p12.1.
Variant type: single nucleotide variant.
Coding change: c.2191T>G on transcript NM_020297.4 (MANE Select); coding-DNA position 2191, T replaced by G.
Protein change: p.Trp731Gly; replaces tryptophan 731 with glycine.
Molecular consequence: missense variant.
Genome position (GRCh38, 1-based): chr12:21,872,632, A>C on the plus strand (T>G on the coding strand, the complement: ABCC9 is on the minus strand). VCF-style: chr12-21872632-A-C. GRCh37 (hg19) VCF-style: chr12-22025566-A-C.
Other names: c.2191T>G, p.Trp731Gly (NM_001377273.1, NM_005691.4); c.1327T>G, p.Trp443Gly (NM_001377274.1); short protein forms W443G, W731G.
Identifiers: ClinVar variation 2867859 (VCV002867859.3), dbSNP rs367621959, ClinGen allele CA6481478.
Genomic context (GRCh38, chr12:21,872,632, plus strand): 5'-AAGATTATCAGATGTATGACATAGCAATGGAAGCCAACTAAAAATATACATACTTGCTCC[A>C]GTGAACTTTTCCTTCCAATGTCTGCATCTCACCGAGGATGGCAAGGAGAAGAGAGGACTT-3'
Protein context (NP_064693.2, residues 721-741): EMQTLEGKVH[Trp731Gly]SNVNESEPSF

ClinVar aggregate classification (germline): Uncertain significance (1 of 4 stars; one submission).

Conditions:
Dilated cardiomyopathy 1O (CMD1O). Also called: CARDIOMYOPATHY, DILATED, WITH VENTRICULAR TACHYCARDIA. Identifiers: Orphanet 154, MedGen C1837839, MONDO:0012062, OMIM 608569.

Allele frequency attached by ClinVar (database versions not stated): TOPMed 0.00002; ExAC 0.00004.
gnomAD v4.1: 5 of 1,612,416 alleles (0.00031%); highest among the groups gnomAD compares: Admixed American, 0.0083%; no homozygotes.

Submission:

Labcorp Genetics (formerly Invitae), Labcorp
Classification: Uncertain significance for Dilated cardiomyopathy 1O. Last evaluated: 2023-03-07. Review status: criteria provided, single submitter. Criteria: Invitae Variant Classification Sherloc (09022015). Collection method: clinical testing. Allele origin: germline.
Comment: In summary, the available evidence is currently insufficient to determine the role of this variant in disease. Therefore, it has been classified as a Variant of Uncertain Significance. Advanced modeling of protein sequence and biophysical properties (such as structural, functional, and spatial information, amino acid conservation, physicochemical variation, residue mobility, and thermodynamic stability) performed at Invitae indicates that this missense variant is expected to disrupt ABCC9 protein function. This variant has not been reported in the literature in individuals affected with ABCC9-related conditions. This variant is present in population databases (rs367621959, gnomAD 0.01%). This sequence change replaces tryptophan, which is neutral and slightly polar, with glycine, which is neutral and non-polar, at codon 731 of the ABCC9 protein (p.Trp731Gly).